The following is an entry in ClinVar:

NM_018263.6(ASXL2):c.1414C>T (p.His472Tyr)

Gene: ASXL2 (ASXL transcriptional regulator 2; minus strand). Cytogenetic location: 2p23.3.
Variant type: single nucleotide variant.
Coding change: c.1414C>T on transcript NM_018263.6 (MANE Select); coding-DNA position 1414, C replaced by T.
Protein change: p.His472Tyr; replaces histidine 472 with tyrosine.
Molecular consequence: missense variant.
Genome position (GRCh38, 1-based): chr2:25,750,142, G>A on the plus strand (C>T on the coding strand, the complement: ASXL2 is on the minus strand). VCF-style: chr2-25750142-G-A. GRCh37 (hg19) VCF-style: chr2-25973011-G-A.
Other names: c.1240C>T, p.His414Tyr (NM_001369346.1); c.634C>T, p.His212Tyr (NM_001369347.1); short protein forms H472Y, H212Y, H414Y.
Identifiers: ClinVar variation 4160116 (VCV004160116.2).

ClinVar aggregate classification (germline): Uncertain significance. Review status: criteria provided, multiple submitters, no conflicts (2 of 4 stars). 2 submissions from 2 submitters: Uncertain significance (2). Last evaluated 2025-08-01.

Conditions:
Inborn genetic diseases. Identifiers: MedGen C0950123, MeSH D030342.

Submissions (2):

Ambry Genetics
Classification: Uncertain significance for Inborn genetic diseases. Last evaluated: 2025-08-01. Review status: criteria provided, single submitter. Criteria: Ambry Variant Classification Scheme 2023. Collection method: clinical testing. Allele origin: germline.

GeneDx
Classification: Uncertain significance. Last evaluated: 2025-05-05. Review status: criteria provided, single submitter. Criteria: GeneDx Variant Classification Process June 2021. Collection method: clinical testing. Allele origin: germline. Affected: yes.
Comment: Not observed at significant frequency in large population cohorts (gnomAD); In silico analysis suggests that this missense variant does not alter protein structure/function; Has not been previously published as pathogenic or benign to our knowledge